The following is an entry in ClinVar:

ClinVar aggregate classification (germline): Pathogenic (1 of 4 stars; one submission).

Conditions:
Charlevoix-Saguenay spastic ataxia (SACS). Also called: SPASTIC ATAXIA 6, AUTOSOMAL RECESSIVE; AUTOSOMAL RECESSIVE SPASTIC ATAXIA OF CHARLEVOIX-SAGUENAY; Spastic ataxia of Charlevoix-Saguenay. Identifiers: Orphanet 98, MedGen C1849140, MONDO:0010041, OMIM 270550.

Submission:

Myriad Genetics, Inc.
Classification: Pathogenic for Charlevoix-Saguenay spastic ataxia. Last evaluated: 2026-03-10. Review status: criteria provided, single submitter. Criteria: Myriad Autosomal Dominant, Autosomal Recessive and X-Linked Classification Criteria (2023). Collection method: clinical testing. Allele origin: unknown.
Comment: NM_014363.4(SACS):c.10064_10065delTA(I3355Rfs*20) is a frameshift variant classified as pathogenic in the context of autosomal recessive spastic ataxia of Charlevoix-Saguenay. I3355Rfs*20 has been observed in a case with relevant disease (PMID: 30638817). Relevant functional assessments of this variant are not available in the literature. I3355Rfs*20 has not been observed in referenced population frequency databases. In summary, NM_014363.4(SACS):c.10064_10065delTA(I3355Rfs*20) is a frameshift variant that has been observed more frequently in cases with the relevant disease than in healthy populations. Please note: this variant was assessed in the context of healthy population screening.

Literature cited by the submitters: PubMed 30638817.

NM_014363.6(SACS):c.10064_10065del (p.Ile3355fs)

Gene: SACS (sacsin molecular chaperone; minus strand). Cytogenetic location: 13q12.12.
Variant type: Microsatellite.
Coding change: c.10064_10065del on transcript NM_014363.6 (MANE Select); coding-DNA positions 10064 to 10065, 2 bases deleted (TA; older notation c.10064_10065delTA).
Protein change: p.Ile3355fs; shifts the reading frame from isoleucine 3355.
Molecular consequence: frameshift variant.
Genome position (GRCh38, 1-based): chr13:23,333,811-23,333,812, TA deleted on the plus strand (TA on the coding strand, the reverse complement: SACS is on the minus strand); deleting any 2 consecutive bases within chr13:23,333,811-23,333,815 gives the same sequence; the c. name uses the placement nearest the transcript's 3' end. VCF-style (leftmost placement, unchanged base first): chr13-23333810-CTA-C. GRCh37 (hg19) VCF-style: chr13-23907949-CTA-C.
Other names: c.9623_9624del, p.Ile3208fs (NM_001278055.2); c.10091_10092del, p.Ile3364fs (NM_001437336.1); short protein forms I3208fs, I3355fs, I3364fs.
Identifiers: ClinVar variation 5003645 (VCV005003645.1).
Genomic context (GRCh38, chr13:23,333,810, plus strand): 5'-CTCTAAATGTTGAAGTTTGGACCATATAATGTAGAGCCTTCAAGATGCTTGTGGGGCTCT[CTA>C]TATTTGCTGTGTGACATGACAACAAAGGAACAAATGCACTGTCTTTGGAACAGATTTTGT-3'